The following is an entry in ClinVar:

ClinVar aggregate classification (germline): Pathogenic (1 of 4 stars; one submission).

Conditions:
Intellectual disability. Also called: intellectual disabilities; Intellectual functioning disability; Intellectual developmental disorder. Identifiers: MedGen C3714756, MeSH D008607, MONDO:0001071, HP:0001249.

Submission:

Genetics Laboratory, UDIAT-Centre Diagnòstic, Hospital Universitari Parc Tauli
Classification: Pathogenic for Intellectual disability. Last evaluated: 2022-10-04. Review status: criteria provided, single submitter. Criteria: Parc Tauli Hospital Assertion Criteria 2021. Collection method: clinical testing. Allele origin: de novo. Inheritance: Autosomal dominant inheritance. Affected: yes.
Comment: PVS1;PM2_supporting;PM6

NM_001379291.1(BRD4):c.3693_3709dup (p.Arg1237fs)

Gene: BRD4 (bromodomain containing 4; minus strand). Cytogenetic location: 19p13.12.
Variant type: Duplication.
Coding change: c.3693_3709dup on transcript NM_001379291.1 (MANE Select); coding-DNA positions 3693 to 3709, 17 bases duplicated (TCGGGAGAAAGAGGAGC).
Protein change: p.Arg1237fs; shifts the reading frame from arginine 1237.
Molecular consequence: frameshift variant.
Genome position (GRCh38, 1-based): chr19:15,239,132-15,239,148, GCTCCTCTTTCTCCCGA duplicated on the plus strand (TCGGGAGAAAGAGGAGC on the coding strand, the reverse complement: BRD4 is on the minus strand); duplicating any 17 consecutive bases within chr19:15,239,132-15,239,150 gives the same sequence; the c. name uses the placement nearest the transcript's 3' end. VCF-style (leftmost placement, unchanged base first): chr19-15239131-C-CGCTCCTCTTTCTCCCGA. GRCh37 (hg19) VCF-style: chr19-15349942-C-CGCTCCTCTTTCTCCCGA.
Other names: c.3709_3710insTCGGGAGAAAGAGGAGC (NM_001379291.1); c.3693_3709dup, p.Arg1237fs (NM_058243.3); short protein forms R1237fs.
Identifiers: ClinVar variation 1708222 (VCV001708222.2), dbSNP rs2512703983, ClinGen allele CA2580096652.
Genomic context (GRCh38, chr19:15,239,131, plus strand): 5'-TGCCGCAGCCGCTCCTTCTCCTTCTCAGCGTGCTCGGCCTGAGCCTTCAGGGCCTTCTCA[C>CGCTCCTCTTTCTCCCGA]GCTCCTCTTTCTCCCGAGCGGCGCGGCGGAACTGCTCGAAGCTGTCGCTGGATGACTTGG-3'